The following is an entry in ClinVar:

NM_017721.5(CC2D1A):c.2053G>A (p.Asp685Asn)

Gene: CC2D1A (coiled-coil and C2 domain containing 1A; plus strand). Cytogenetic location: 19p13.12.
Variant type: single nucleotide variant.
Coding change: c.2053G>A on transcript NM_017721.5 (MANE Select); coding-DNA position 2053, G replaced by A.
Protein change: p.Asp685Asn; replaces aspartic acid 685 with asparagine.
Molecular consequence: missense variant.
Genome position (GRCh38, 1-based): chr19:13,926,705, G>A. VCF-style: chr19-13926705-G-A. GRCh37 (hg19) VCF-style: chr19-14037518-G-A.
Other names: c.2053G>A, p.Asp685Asn (NM_001411138.1); short protein forms D685N.
Identifiers: ClinVar variation 4220127 (VCV004220127.2).

ClinVar aggregate classification (germline): Uncertain significance. Review status: criteria provided, multiple submitters, no conflicts (2 of 4 stars). 2 submissions from 2 submitters: Uncertain significance (2). Last evaluated 2025-08-05.

Conditions:
Inborn genetic diseases. Identifiers: MedGen C0950123, MeSH D030342.

gnomAD v4.1: 12 of 1,614,024 alleles (0.00074%); highest among the groups gnomAD compares: Admixed American, 0.0033%; no homozygotes.

Submissions (2):

Ambry Genetics
Classification: Uncertain significance for Inborn genetic diseases. Last evaluated: 2025-08-05. Review status: criteria provided, single submitter. Criteria: Ambry Variant Classification Scheme 2023. Collection method: clinical testing. Allele origin: germline.

GeneDx
Classification: Uncertain significance. Last evaluated: 2025-07-14. Review status: criteria provided, single submitter. Criteria: GeneDx Variant Classification Process June 2021. Collection method: clinical testing. Allele origin: germline. Affected: yes.
Comment: In silico analysis supports that this missense variant has a deleterious effect on protein structure/function; Has not been previously published as pathogenic or benign to our knowledge